The following is an entry in ClinVar:

NM_000138.5(FBN1):c.6711G>T (p.Val2237=)

Gene: FBN1 (fibrillin 1; minus strand). Cytogenetic location: 15q21.1.
Variant type: single nucleotide variant.
Coding change: c.6711G>T on transcript NM_000138.5 (MANE Select); coding-DNA position 6711, G replaced by T.
Protein change: p.Val2237=; no amino-acid change (valine 2237 retained).
Molecular consequence: synonymous variant.
Genome position (GRCh38, 1-based): chr15:48,432,894, C>A on the plus strand (G>T on the coding strand, the complement: FBN1 is on the minus strand). VCF-style: chr15-48432894-C-A. GRCh37 (hg19) VCF-style: chr15-48725091-C-A.
Identifiers: ClinVar variation 755537 (VCV000755537.11), dbSNP rs760867972, ClinGen allele CA057255.
Genomic context (GRCh38, chr15:48,432,894, plus strand): 5'-TGGCTTAGATGACCTTGAACACGATGACTCACCTTTGCACATCCTACGGTCTTCTCTGAG[C>A]ACATATCCCACGGGACATTTGCATTCATATGACCCATAAGTGTTCACACATCGGAAGGCA-3'
Protein context (NP_000129.3, residues 2227-2247): SYECKCPVGY[Val2237=]LREDRRMCKD

ClinVar aggregate classification (germline): Likely benign. Review status: criteria provided, multiple submitters, no conflicts (2 of 4 stars). 3 submissions from 3 submitters: Likely benign (3). Last evaluated 2024-12-28.

Conditions:
Marfan syndrome (MFS). Also called: MARFAN SYNDROME, TYPE I; FBN1-Related Marfan Syndrome; Marfan syndrome type 1; Marfan's syndrome; Marfan syndrome, classic. Identifiers: Orphanet 284963, Orphanet 558, MedGen C0024796, MONDO:0007947, OMIM 154700.
Familial thoracic aortic aneurysm and aortic dissection (TAAD). Also called: Thoracic aortic aneurysms and dissections. Identifiers: Orphanet 91387, MedGen C4707243, MONDO:0019625.

Allele frequency attached by ClinVar (database versions not stated): gnomAD exomes below 0.00001; ExAC 0.00001.
gnomAD v4.1: 1 of 1,613,714 alleles (0.000062%); highest among the groups gnomAD compares: Non-Finnish European, 0.000085%; no homozygotes.

Submissions (3):

Ambry Genetics
Classification: Likely benign for Familial thoracic aortic aneurysm and aortic dissection. Last evaluated: 2024-12-28. Review status: criteria provided, single submitter. Criteria: Ambry Variant Classification Scheme 2023. Collection method: clinical testing. Allele origin: germline.

All of Us Research Program, National Institutes of Health
Classification: Likely benign for Marfan syndrome. Last evaluated: 2023-10-06. Review status: criteria provided, single submitter. Criteria: ACMG Guidelines, 2015. Collection method: clinical testing. Allele origin: germline. Inheritance: Autosomal dominant inheritance. Observed: 1 variant allele, 1 heterozygote.
Comment: This study involves interpretation of variants in research participants for the purpose of population health screening. Participant phenotype was not available at the time of variant classification. Additional details can be found in publication PMID: 35346344, PMCID: PMC8962531

Labcorp Genetics (formerly Invitae), Labcorp
Classification: Likely benign for Marfan syndrome; Familial thoracic aortic aneurysm and aortic dissection. Last evaluated: 2023-02-25. Review status: criteria provided, single submitter. Criteria: Invitae Variant Classification Sherloc (09022015). Collection method: clinical testing. Allele origin: germline.